The following is an entry in ClinVar:

NM_015991.4(C1QA):c.161C>T (p.Pro54Leu)

Gene: C1QA (complement C1q A chain; plus strand). Cytogenetic location: 1p36.12.
Variant type: single nucleotide variant.
Coding change: c.161C>T on transcript NM_015991.4 (MANE Select); coding-DNA position 161, C replaced by T.
Protein change: p.Pro54Leu; replaces proline 54 with leucine.
Molecular consequence: missense variant.
Genome position (GRCh38, 1-based): chr1:22,637,777, C>T. VCF-style: chr1-22637777-C-T. GRCh37 (hg19) VCF-style: chr1-22964270-C-T.
Other names: c.161C>T, p.Pro54Leu (NM_001347465.2, NM_001347466.2); short protein forms P54L.
Identifiers: ClinVar variation 4779969 (VCV004779969.1).
Genomic context (GRCh38, chr1:22,637,777, plus strand): 5'-GGGAGGCAGGAAGACCTGGCAGACGGGGGCGGCCAGGCCTCAAGGGGGAGCAAGGGGAGC[C>T]GGGTAAGCACCCTTCCTCGGGACCCAGCCCCTTGGACCTTGGCCTGACTTGGCCTCCAGG-3'
Protein context (NP_057075.1, residues 44-64): RPGLKGEQGE[Pro54Leu]GAPGIRTGIQ

ClinVar aggregate classification (germline): Uncertain significance (1 of 4 stars; one submission).

gnomAD v4.1: 8 of 1,575,752 alleles (0.00051%); highest among the groups gnomAD compares: African/African-American, 0.0027%; no homozygotes.

Submission:

Labcorp Genetics (formerly Invitae), Labcorp
Classification: Uncertain significance. Last evaluated: 2026-01-11. Review status: criteria provided, single submitter. Criteria: Invitae Variant Classification Sherloc (09022015). Collection method: clinical testing. Allele origin: germline.
Comment: This sequence change replaces proline, which is neutral and non-polar, with leucine, which is neutral and non-polar, at codon 54 of the C1QA protein (p.Pro54Leu). This variant is present in population databases (rs758587918, gnomAD 0.006%). This variant has not been reported in the literature in individuals affected with C1QA-related conditions. An algorithm developed to predict the effect of missense changes on protein structure and function (PolyPhen-2) suggests that this variant is likely to be tolerated. In summary, the available evidence is currently insufficient to determine the role of this variant in disease. Therefore, it has been classified as a Variant of Uncertain Significance.